The following is an entry in ClinVar:

ClinVar aggregate classification (germline): Uncertain significance (1 of 4 stars; one submission).

Conditions:
Long QT syndrome (LQTS). Identifiers: MedGen C0023976, MeSH D008133, MONDO:0002442. Disease mechanism: loss of function. Inheritance: Various modes of inheritance.

Submission:

Labcorp Genetics (formerly Invitae), Labcorp
Classification: Uncertain significance for Long QT syndrome. Last evaluated: 2025-07-14. Review status: criteria provided, single submitter. Criteria: Invitae Variant Classification Sherloc (09022015). Collection method: clinical testing. Allele origin: germline.
Comment: This sequence change replaces valine, which is neutral and non-polar, with methionine, which is neutral and non-polar, at codon 477 of the ANK2 protein (p.Val477Met). The frequency data for this variant in the population databases is considered unreliable, as metrics indicate poor data quality at this position in the gnomAD database. This variant has not been reported in the literature in individuals affected with ANK2-related conditions. Invitae Evidence Modeling of protein sequence and biophysical properties (such as structural, functional, and spatial information, amino acid conservation, physicochemical variation, residue mobility, and thermodynamic stability) indicates that this missense variant is not expected to disrupt ANK2 protein function with a negative predictive value of 80%. In summary, the available evidence is currently insufficient to determine the role of this variant in disease. Therefore, it has been classified as a Variant of Uncertain Significance.

NM_001148.6(ANK2):c.1429G>A (p.Val477Met)

Gene: ANK2 (ankyrin 2; plus strand). Cytogenetic location: 4q26.
Variant type: single nucleotide variant.
Coding change: c.1429G>A on transcript NM_001148.6 (MANE Select); coding-DNA position 1429, G replaced by A.
Protein change: p.Val477Met; replaces valine 477 with methionine.
Molecular consequence: missense variant.
Genome position (GRCh38, 1-based): chr4:113,264,939, G>A. VCF-style: chr4-113264939-G-A. GRCh37 (hg19) VCF-style: chr4-114186095-G-A.
Other names: c.1366G>A, p.Val456Met (NM_001127493.3, NM_001354239.2, NM_001354243.2 and 14 more transcripts); c.1429G>A, p.Val477Met (NM_001354225.2, NM_001354228.2, NM_001354232.2 and 8 more transcripts); c.1474G>A, p.Val492Met (NM_001354230.2, NM_001354231.2, NM_001354237.2 and 5 more transcripts); c.1342G>A, p.Val448Met (NM_001354249.2, NM_001354260.2, NM_001354264.2 and 13 more transcripts); c.1387G>A, p.Val463Met (NM_001354261.2, NM_001386147.1, NM_001386160.1); c.1219G>A, p.Val407Met (NM_001354269.3); c.1231G>A, p.Val411Met (NM_001354273.2); c.1144G>A, p.Val382Met (NM_001354277.2, NM_001386157.1, NM_001386158.1); and 4 more; short protein forms V382M, V407M, V465M, V473M, V456M, V463M, V486M, V411M.
Identifiers: ClinVar variation 4754431 (VCV004754431.1).